The following is an entry in ClinVar:

NM_025207.5(FLAD1):c.1228A>G (p.Thr410Ala)

Gene: FLAD1 (flavin adenine dinucleotide synthetase 1; plus strand). Cytogenetic location: 1q21.3.
Variant type: single nucleotide variant.
Coding change: c.1228A>G on transcript NM_025207.5 (MANE Select); coding-DNA position 1228, A replaced by G.
Protein change: p.Thr410Ala; replaces threonine 410 with alanine.
Molecular consequence: missense variant.
Genome position (GRCh38, 1-based): chr1:154,989,670, A>G. VCF-style: chr1-154989670-A-G. GRCh37 (hg19) VCF-style: chr1-154962146-A-G.
Other names: c.937A>G, p.Thr313Ala (NM_001184891.2, NM_201398.3); short protein forms T313A, T410A.
Identifiers: ClinVar variation 2908029 (VCV002908029.1), dbSNP rs1337231117, ClinGen allele CA342751227.

ClinVar aggregate classification (germline): Uncertain significance (1 of 4 stars; one submission).

Allele frequency attached by ClinVar (database versions not stated): gnomAD exomes 0.00001; TOPMed 0.00001.
gnomAD v4.1: 13 of 1,586,484 alleles (0.00082%); highest among the groups gnomAD compares: East Asian, 0.0046%; no homozygotes.

Submission:

Labcorp Genetics (formerly Invitae), Labcorp
Classification: Uncertain significance. Last evaluated: 2023-10-22. Review status: criteria provided, single submitter. Criteria: Invitae Variant Classification Sherloc (09022015). Collection method: clinical testing. Allele origin: germline.
Comment: This sequence change replaces threonine, which is neutral and polar, with alanine, which is neutral and non-polar, at codon 410 of the FLAD1 protein (p.Thr410Ala). The frequency data for this variant in the population databases is considered unreliable, as metrics indicate poor data quality at this position in the gnomAD database. This variant has not been reported in the literature in individuals affected with FLAD1-related conditions. An algorithm developed to predict the effect of missense changes on protein structure and function (PolyPhen-2) suggests that this variant is likely to be disruptive. In summary, the available evidence is currently insufficient to determine the role of this variant in disease. Therefore, it has been classified as a Variant of Uncertain Significance.